The following is an entry in ClinVar:

ClinVar aggregate classification (germline): Conflicting classifications of pathogenicity. Review status: criteria provided, conflicting classifications (1 of 4 stars). 3 submissions from 3 submitters: Uncertain significance (2); Likely benign (1). Last evaluated 2023-03-23.

Conditions:
Hereditary cancer-predisposing syndrome. Also called: Hereditary neoplastic syndrome; Neoplastic Syndromes, Hereditary; Hereditary Cancer Syndrome; Tumor predisposition. Identifiers: Orphanet 140162, MedGen C0027672, MeSH D009386, MONDO:0015356.
Hereditary breast ovarian cancer syndrome. Also called: BRCA1- and BRCA2-Associated Hereditary Breast and Ovarian Cancer; Hereditary breast and ovarian cancer syndrome (HBOC); Hereditary breast and/or ovarian cancer syndrome; Hereditary breast and ovarian cancer syndrome; Hereditary breast and ovarian cancer; Breast and ovarian cancer. Identifiers: Orphanet 145, MedGen C0677776, MeSH D061325, MONDO:0003582. Disease mechanism: loss of function.

Submissions (3):

University of Washington Department of Laboratory Medicine, University of Washington
Classification: Likely benign for Hereditary cancer-predisposing syndrome. Last evaluated: 2023-03-23. Review status: criteria provided, single submitter. Criteria: Dines et al. (Genet Med. 2020). Collection method: curation. Allele origin: germline.
Comment: Missense variant in a coldspot region where missense variants are very unlikely to be pathogenic (PMID:31911673).

BRCA2 exon 11 coldspot. Reclassification based on statistical prior probability.

Labcorp Genetics (formerly Invitae), Labcorp
Classification: Uncertain significance for Hereditary breast ovarian cancer syndrome. Last evaluated: 2022-12-24. Review status: criteria provided, single submitter. Criteria: Invitae Variant Classification Sherloc (09022015). Collection method: clinical testing. Allele origin: germline.
Comment: ClinVar contains an entry for this variant (Variation ID: 1720901). Advanced modeling of protein sequence and biophysical properties (such as structural, functional, and spatial information, amino acid conservation, physicochemical variation, residue mobility, and thermodynamic stability) performed at Invitae indicates that this missense variant is not expected to disrupt BRCA2 protein function. In summary, the available evidence is currently insufficient to determine the role of this variant in disease. Therefore, it has been classified as a Variant of Uncertain Significance. This variant has not been reported in the literature in individuals affected with BRCA2-related conditions. This sequence change replaces serine, which is neutral and polar, with arginine, which is basic and polar, at codon 767 of the BRCA2 protein (p.Ser767Arg). This variant is not present in population databases (gnomAD no frequency).

Ambry Genetics
Classification: Uncertain significance for Hereditary cancer-predisposing syndrome. Last evaluated: 2021-05-08. Review status: criteria provided, single submitter. Criteria: Ambry Variant Classification Scheme 2023. Collection method: clinical testing. Allele origin: germline.
Comment: The p.S767R variant (also known as c.2301C>G), located in coding exon 10 of the BRCA2 gene, results from a C to G substitution at nucleotide position 2301. The serine at codon 767 is replaced by arginine, an amino acid with dissimilar properties. This amino acid position is not well conserved in available vertebrate species. In addition, this alteration is predicted to be tolerated by in silico analysis. Since supporting evidence is limited at this time, the clinical significance of this alteration remains unclear.

NM_000059.4(BRCA2):c.2301C>G (p.Ser767Arg)

Gene: BRCA2 (BRCA2 DNA repair associated; plus strand). Cytogenetic location: 13q13.1.
Variant type: single nucleotide variant.
Coding change: c.2301C>G on transcript NM_000059.4 (MANE Select); coding-DNA position 2301, C replaced by G.
Protein change: p.Ser767Arg; replaces serine 767 with arginine.
Molecular consequence: missense variant.
Genome position (GRCh38, 1-based): chr13:32,336,656, C>G. VCF-style: chr13-32336656-C-G. GRCh37 (hg19) VCF-style: chr13-32910793-C-G.
Other names: c.2301C>G, p.Ser767Arg (NM_001406719.1, NM_001406720.1); short protein forms S767R.
Identifiers: ClinVar variation 1720901 (VCV001720901.9), dbSNP rs2072454710, ClinGen allele CA387771304.